The following is an entry in ClinVar:

NM_001378120.1(MBD5):c.2527_2529dup (p.Gly843dup)

Gene: MBD5 (methyl-CpG binding domain protein 5; plus strand). Cytogenetic location: 2q23.1.
Variant type: Duplication.
Coding change: c.2527_2529dup on transcript NM_001378120.1 (MANE Select); coding-DNA positions 2527 to 2529, 3 bases duplicated (GGA; older notation c.2527_2529dupGGA).
Protein change: p.Gly843dup; duplicates glycine 843.
Molecular consequence: inframe insertion.
Genome position (GRCh38, 1-based): chr2:148,483,118-148,483,120, GGA duplicated; duplicating any 3 consecutive bases within chr2:148,483,117-148,483,120 gives the same sequence; the c. name uses the placement nearest the transcript's 3' end. VCF-style (leftmost placement, unchanged base first): chr2-148483116-C-CAGG. GRCh37 (hg19) VCF-style: chr2-149240685-C-CAGG.
Other names: c.2527_2529dup, p.Gly843dup (NM_018328.5).
Identifiers: ClinVar variation 1479809 (VCV001479809.6), dbSNP rs2105071357, ClinGen allele CA2573133297.

ClinVar aggregate classification (germline): Uncertain significance (1 of 4 stars; one submission).

Conditions:
Intellectual developmental disorder, autosomal dominant 1. Also called: Intellectual disability, autosomal dominant 1; MBD5 Haploinsufficiency. Identifiers: Orphanet 228402, MedGen C1969562, MONDO:0007974, OMIM 156200.

Submission:

Labcorp Genetics (formerly Invitae), Labcorp
Classification: Uncertain significance for Intellectual developmental disorder, autosomal dominant 1. Last evaluated: 2023-08-10. Review status: criteria provided, single submitter. Criteria: Invitae Variant Classification Sherloc (09022015). Collection method: clinical testing. Allele origin: germline.
Comment: Experimental studies and prediction algorithms are not available or were not evaluated, and the functional significance of this variant is currently unknown. This variant, c.2527_2529dup, results in the insertion of 1 amino acid(s) of the MBD5 protein (p.Gly843dup), but otherwise preserves the integrity of the reading frame. This variant is not present in population databases (gnomAD no frequency). This variant has not been reported in the literature in individuals affected with MBD5-related conditions. ClinVar contains an entry for this variant (Variation ID: 1479809). In summary, the available evidence is currently insufficient to determine the role of this variant in disease. Therefore, it has been classified as a Variant of Uncertain Significance.